The following is an entry in ClinVar:

ClinVar aggregate classification (germline): Uncertain significance (1 of 4 stars; one submission).

Allele frequency attached by ClinVar (database versions not stated): TOPMed below 0.00001; gnomAD 0.00001.
gnomAD v4.1: 1 of 1,614,074 alleles (0.000062%); highest among the groups gnomAD compares: African/African-American, 0.0013%; no homozygotes.

Submission:

Labcorp Genetics (formerly Invitae), Labcorp
Classification: Uncertain significance. Last evaluated: 2022-10-17. Review status: criteria provided, single submitter. Criteria: Invitae Variant Classification Sherloc (09022015). Collection method: clinical testing. Allele origin: germline.
Comment: Advanced modeling of protein sequence and biophysical properties (such as structural, functional, and spatial information, amino acid conservation, physicochemical variation, residue mobility, and thermodynamic stability) performed at Invitae indicates that this missense variant is not expected to disrupt MERTK protein function. In summary, the available evidence is currently insufficient to determine the role of this variant in disease. Therefore, it has been classified as a Variant of Uncertain Significance. This variant has not been reported in the literature in individuals affected with MERTK-related conditions. This variant is not present in population databases (gnomAD no frequency). This sequence change replaces asparagine, which is neutral and polar, with serine, which is neutral and polar, at codon 363 of the MERTK protein (p.Asn363Ser).

NM_006343.3(MERTK):c.1088A>G (p.Asn363Ser)

Genes: MERTK (MER proto-oncogene, tyrosine kinase; plus strand), LOC112806037 (Sharpr-MPRA regulatory region 3720; plus strand). Cytogenetic location: 2q13.
Variant type: single nucleotide variant.
Coding change: c.1088A>G on transcript NM_006343.3 (MANE Select); coding-DNA position 1088, A replaced by G.
Protein change: p.Asn363Ser; replaces asparagine 363 with serine.
Molecular consequence: missense variant.
Genome position (GRCh38, 1-based): chr2:111,975,416, A>G. VCF-style: chr2-111975416-A-G. GRCh37 (hg19) VCF-style: chr2-112732993-A-G.
Other names: short protein forms N363S.
Identifiers: ClinVar variation 2129808 (VCV002129808.4), dbSNP rs1365946093, ClinGen allele CA348233663.
Genomic context (GRCh38, chr2:111,975,416, plus strand): 5'-TGTACCAAATCAAGCAGCTGCAAGCCCTGGCTAATTACAGCATTGGTGTTTCCTGCATGA[A>G]TGAAATAGGCTGGTCTGCAGTGAGCCCTTGGATTCTAGCCAGCACGACTGAAGGAGGTAA-3'
Protein context (NP_006334.2, residues 353-373): ANYSIGVSCM[Asn363Ser]EIGWSAVSPW